The following is an entry in ClinVar:

ClinVar aggregate classification (germline): Uncertain significance. Review status: criteria provided, multiple submitters, no conflicts (2 of 4 stars). 3 submissions from 3 submitters: Uncertain significance (3). Last evaluated 2025-09-21.

Conditions:
Liddle syndrome 1 (LIDLS1). Also called: PSEUDOALDOSTERONISM. Identifiers: Orphanet 526, MedGen CN031472, MONDO:0020607, OMIM 177200.
Bronchiectasis with or without elevated sweat chloride 1 (BESC1). Also called: Cystic Fibrosis-Like Syndrome. Identifiers: Orphanet 60033, MedGen C2749757, MONDO:0008887, OMIM 211400.
Pseudohypoaldosteronism, type IB2, autosomal recessive (PHA1B2). Identifiers: MedGen C5774255, MONDO:0859317, OMIM 620125.

Allele frequency attached by ClinVar (database versions not stated): gnomAD exomes below 0.00001; gnomAD 0.00001.
gnomAD v4.1: 5 of 1,612,336 alleles (0.00031%); highest among the groups gnomAD compares: African/African-American, 0.0013%; no homozygotes.

Submissions (3):

Labcorp Genetics (formerly Invitae), Labcorp
Classification: Uncertain significance. Last evaluated: 2025-09-21. Review status: criteria provided, single submitter. Criteria: Invitae Variant Classification Sherloc (09022015). Collection method: clinical testing. Allele origin: germline.
Comment: This sequence change replaces proline, which is neutral and non-polar, with leucine, which is neutral and non-polar, at codon 613 of the SCNN1B protein (p.Pro613Leu). This variant is present in population databases (no rsID available, gnomAD 0.01%). This variant has not been reported in the literature in individuals affected with SCNN1B-related conditions. ClinVar contains an entry for this variant (Variation ID: 1686695). An algorithm developed to predict the effect of missense changes on protein structure and function (PolyPhen-2) suggests that this variant is likely to be disruptive. In summary, the available evidence is currently insufficient to determine the role of this variant in disease. Therefore, it has been classified as a Variant of Uncertain Significance.

Fulgent Genetics
Classification: Uncertain significance for Liddle syndrome 1; Bronchiectasis with or without elevated sweat chloride 1; Pseudohypoaldosteronism, type IB2, autosomal recessive. Last evaluated: 2024-06-09. Review status: criteria provided, single submitter. Criteria: ACMG Guidelines, 2015. Collection method: clinical testing. Allele origin: germline.

GeneDx
Classification: Uncertain significance. Last evaluated: 2022-05-16. Review status: criteria provided, single submitter. Criteria: GeneDx Variant Classification Process June 2021. Collection method: clinical testing. Allele origin: germline. Affected: yes.
Comment: Observed in the heterozygous state in a patient with cystic fibrosis who was homozygous for a pathogenic variant in the CFTR gene in published literature (Agrawal et al., 2017); Functional studies in xenopus oocytes showed P613L does not alter sodium channel currents (Agrawal et al., 2017); In silico analysis supports that this missense variant has a deleterious effect on protein structure/function; Not observed at significant frequency in large population cohorts (gnomAD); This variant is associated with the following publications: (PMID: 28708422)

NM_000336.3(SCNN1B):c.1838C>T (p.Pro613Leu)

Gene: SCNN1B (sodium channel epithelial 1 subunit beta; plus strand). Cytogenetic location: 16p12.2.
Variant type: single nucleotide variant.
Coding change: c.1838C>T on transcript NM_000336.3 (MANE Select); coding-DNA position 1838, C replaced by T.
Protein change: p.Pro613Leu; replaces proline 613 with leucine.
Molecular consequence: missense variant.
Genome position (GRCh38, 1-based): chr16:23,380,716, C>T. VCF-style: chr16-23380716-C-T. GRCh37 (hg19) VCF-style: chr16-23392037-C-T.
Other names: short protein forms P613L.
Identifiers: ClinVar variation 1686695 (VCV001686695.4), dbSNP rs1391471777, ClinGen allele CA395114012.